The following is an entry in ClinVar:

ClinVar aggregate classification (germline): Pathogenic (1 of 4 stars; one submission).

Conditions:
Medium-chain acyl-coenzyme A dehydrogenase deficiency (ACADMD). Also called: ACADM DEFICIENCY; MCADH DEFICIENCY; MCADD; Medium chain acyl-CoA dehydrogenase deficiency; MCAD Deficiency; CARNITINE DEFICIENCY SECONDARY TO MEDIUM-CHAIN ACYL-CoA DEHYDROGENASE DEFICIENCY. Identifiers: Orphanet 42, MedGen C0220710, MONDO:0008721, OMIM 201450.

Submission:

Labcorp Genetics (formerly Invitae), Labcorp
Classification: Pathogenic for Medium-chain acyl-coenzyme A dehydrogenase deficiency. Last evaluated: 2023-01-28. Review status: criteria provided, single submitter. Criteria: Invitae Variant Classification Sherloc (09022015). Collection method: clinical testing. Allele origin: germline.
Comment: For these reasons, this variant has been classified as Pathogenic. This variant disrupts a region of the ACADM protein in which other variant(s) (p.Ile416Thr) have been determined to be pathogenic (PMID: 20434380, 23430840, 26947917). This suggests that this is a clinically significant region of the protein, and that variants that disrupt it are likely to be disease-causing. This variant has not been reported in the literature in individuals affected with ACADM-related conditions. This variant is not present in population databases (gnomAD no frequency). This sequence change creates a premature translational stop signal (p.Glu401Aspfs*4) in the ACADM gene. While this is not anticipated to result in nonsense mediated decay, it is expected to disrupt the last 21 amino acid(s) of the ACADM protein.

Literature cited by the submitters: PubMed 20434380; PubMed 23430840; PubMed 26947917.

NM_000016.6(ACADM):c.1203_1224del (p.Glu401fs)

Gene: ACADM (acyl-CoA dehydrogenase medium chain; plus strand). Cytogenetic location: 1p31.1.
Variant type: Deletion.
Coding change: c.1203_1224del on transcript NM_000016.6 (MANE Select); coding-DNA positions 1203 to 1224, 22 bases deleted (AGGTACTTCACAAATTCAAAGA).
Protein change: p.Glu401fs; shifts the reading frame from glutamic acid 401.
Molecular consequence: frameshift variant.
Genome position (GRCh38, 1-based): chr1:75,762,700-75,762,721, AGGTACTTCACAAATTCAAAGA deleted; deleting any 22 consecutive bases within chr1:75,762,698-75,762,721 gives the same sequence; the c. name uses the placement nearest the transcript's 3' end. VCF-style (leftmost placement, unchanged base first): chr1-75762697-TGAAGGTACTTCACAAATTCAAA-T. GRCh37 (hg19) VCF-style: chr1-76228382-TGAAGGTACTTCACAAATTCAAA-T.
Other names: c.1215_1236del, p.Glu405fs (NM_001127328.3); c.1095_1116del, p.Glu365fs (NM_001286042.2); c.1302_1323del, p.Glu434fs (NM_001286043.2); c.636_657del, p.Glu212fs (NM_001286044.2); short protein forms E365fs, E212fs, E405fs, E401fs, E434fs.
Identifiers: ClinVar variation 2832726 (VCV002832726.3), dbSNP rs2525706560, ClinGen allele CA2739272619.